The following is an entry in ClinVar:

ClinVar aggregate classification (germline): Conflicting classifications of pathogenicity. Review status: criteria provided, conflicting classifications (1 of 4 stars). 2 submissions from 2 submitters: Uncertain significance (1); Likely benign (1). Last evaluated 2023-03-23.

Conditions:
Hereditary cancer-predisposing syndrome. Also called: Hereditary Cancer Syndrome; Tumor predisposition; Hereditary neoplastic syndrome; Neoplastic Syndromes, Hereditary. Identifiers: Orphanet 140162, MedGen C0027672, MeSH D009386, MONDO:0015356.
Hereditary breast ovarian cancer syndrome. Also called: Hereditary breast and/or ovarian cancer syndrome; Hereditary breast and ovarian cancer syndrome; Hereditary breast and ovarian cancer syndrome (HBOC); Breast and ovarian cancer; Hereditary breast and ovarian cancer; BRCA1- and BRCA2-Associated Hereditary Breast and Ovarian Cancer. Identifiers: Orphanet 145, MedGen C0677776, MeSH D061325, MONDO:0003582. Disease mechanism: loss of function.

Submissions (2):

University of Washington Department of Laboratory Medicine, University of Washington
Classification: Likely benign for Hereditary cancer-predisposing syndrome. Last evaluated: 2023-03-23. Review status: criteria provided, single submitter. Criteria: Dines et al. (Genet Med. 2020). Collection method: curation. Allele origin: germline.
Comment: Missense variant in a coldspot region where missense variants are very unlikely to be pathogenic (PMID:31911673).

BRCA2 exon 11 coldspot. Reclassification based on statistical prior probability.

Labcorp Genetics (formerly Invitae), Labcorp
Classification: Uncertain significance for Hereditary breast ovarian cancer syndrome. Last evaluated: 2022-08-16. Review status: criteria provided, single submitter. Criteria: Invitae Variant Classification Sherloc (09022015). Collection method: clinical testing. Allele origin: germline.
Comment: In summary, the available evidence is currently insufficient to determine the role of this variant in disease. Therefore, it has been classified as a Variant of Uncertain Significance. Algorithms developed to predict the effect of sequence changes on RNA splicing suggest that this variant may create or strengthen a splice site. Algorithms developed to predict the effect of missense changes on protein structure and function are either unavailable or do not agree on the potential impact of this missense change (SIFT: "Not Available"; PolyPhen-2: "Benign"; Align-GVGD: "Not Available"). ClinVar contains an entry for this variant (Variation ID: 1053876). This variant has not been reported in the literature in individuals affected with BRCA2-related conditions. Information on the frequency of this variant in the gnomAD database is not available, as this variant may be reported differently in the database. This sequence change replaces serine, which is neutral and polar, with valine, which is neutral and non-polar, at codon 636 of the BRCA2 protein (p.Ser636Val).

NM_000059.4(BRCA2):c.1906_1907delinsGT (p.Ser636Val)

Gene: BRCA2 (BRCA2 DNA repair associated; plus strand). Cytogenetic location: 13q13.1.
Variant type: Indel.
Coding change: c.1906_1907delinsGT on transcript NM_000059.4 (MANE Select); coding-DNA positions 1906 to 1907, TC replaced by GT.
Protein change: p.Ser636Val; replaces serine 636 with valine.
Molecular consequence: missense variant.
Genome position (GRCh38, 1-based): chr13:32,333,384-32,333,385, TC replaced by GT. VCF-style: chr13-32333384-TC-GT. GRCh37 (hg19) VCF-style: chr13-32907521-TC-GT.
Other names: short protein forms S636V.
Identifiers: ClinVar variation 1053876 (VCV001053876.14), dbSNP rs2137476241, ClinGen allele CA2499222092.
Genomic context (GRCh38, chr13:32,333,384, plus strand): 5'-TGTTCAGCCCAGTTTGAAGCAAATGCTTTTGAAGCACCACTTACATTTGCAAATGCTGAT[TC>GT]AGGTACCTCTGTCTTTTTTTTTTTGTAAATAGTACATATAGTTTTATAGATGACGATTCC-3'
Protein context (NP_000050.3, residues 626-646): EAPLTFANAD[Ser636Val]GLLHSSVKRS